The following is an entry in ClinVar:

NM_001365276.2(TNXB):c.9168G>A (p.Glu3056=)

Gene: TNXB (tenascin XB; minus strand). Cytogenetic location: 6p21.33.
Variant type: single nucleotide variant.
Coding change: c.9168G>A on transcript NM_001365276.2 (MANE Select); coding-DNA position 9168, G replaced by A.
Protein change: p.Glu3056=; no amino-acid change (glutamic acid 3056 retained).
Molecular consequence: synonymous variant.
Genome position (GRCh38, 1-based): chr6:32,050,269, C>T on the plus strand (G>A on the coding strand, the complement: TNXB is on the minus strand). VCF-style: chr6-32050269-C-T. GRCh37 (hg19) VCF-style: chr6-32018046-C-T.
Other names: p.Glu3054=; c.9162G>A, p.Glu3054= (NM_019105.8).
Identifiers: ClinVar variation 1200395 (VCV001200395.28), dbSNP rs369075770, ClinGen allele CA3733611.

ClinVar aggregate classification (germline): Benign/Likely benign. Review status: criteria provided, multiple submitters, no conflicts (2 of 4 stars). 7 submissions from 7 submitters: Benign (1); Likely benign (6). Last evaluated 2026-01-31.

Conditions:
Cardiovascular phenotype. Identifiers: MedGen CN230736.

Allele frequency attached by ClinVar (database versions not stated): gnomAD exomes 0.00031 and 0.00068; ExAC 0.00077; ESP Exome Variant Server 0.00208; gnomAD 0.00283 and 0.00300; TOPMed 0.00336; 1000 Genomes Project 0.00379; 1000 Genomes Project 30x 0.00437.
gnomAD v4.1: 888 of 1,613,446 alleles (0.055%); highest among the groups gnomAD compares: African/African-American, 0.96%; 5 homozygotes.

Submissions (7):

Labcorp Genetics (formerly Invitae), Labcorp
Classification: Benign. Last evaluated: 2026-01-31. Review status: criteria provided, single submitter. Criteria: Invitae Variant Classification Sherloc (09022015). Collection method: clinical testing. Allele origin: germline.

Women's Health and Genetics/Laboratory Corporation of America, LabCorp
Classification: Likely benign. Last evaluated: 2026-01-22. Review status: criteria provided, single submitter. Criteria: LabCorp Variant Classification Summary - May 2015. Collection method: clinical testing. Allele origin: germline.

Mayo Clinic Laboratories, Mayo Clinic
Classification: Likely benign. Last evaluated: 2025-09-10. Review status: criteria provided, single submitter. Criteria: ACMG Guidelines, 2015. Collection method: clinical testing. Allele origin: germline. Observed: 3 variant alleles.
Comment: BS1, BP4, BP7

Blueprint Genetics
Classification: Likely benign. Last evaluated: 2024-09-02. Review status: criteria provided, single submitter. Criteria: ACMG Guidelines, 2015. Collection method: clinical testing. Allele origin: germline.

CeGaT Center for Human Genetics Tuebingen
Classification: Likely benign. Last evaluated: 2024-05-01. Review status: criteria provided, single submitter. Criteria: CeGaT Center For Human Genetics Tuebingen Variant Classification Criteria Version 2. Collection method: clinical testing. Allele origin: germline. Affected: yes. Observed: 1 variant allele.
Comment: TNXB: BP4, BP7, BS2

Ambry Genetics
Classification: Likely benign for Cardiovascular phenotype. Last evaluated: 2020-10-27. Review status: criteria provided, single submitter. Criteria: Ambry Variant Classification Scheme 2023. Collection method: clinical testing. Allele origin: germline.

GeneDx
Classification: Likely benign. Last evaluated: 2020-09-25. Review status: criteria provided, single submitter. Criteria: GeneDx Variant Classification Process June 2021. Collection method: clinical testing. Allele origin: germline. Affected: yes.